The following is an entry in ClinVar:

ClinVar aggregate classification (germline): Uncertain significance (1 of 4 stars; one submission).

gnomAD v4.1: 6 of 1,613,944 alleles (0.00037%); highest among the groups gnomAD compares: East Asian, 0.0022%; no homozygotes.

Submission:

Dasa
Classification: Uncertain significance. Last evaluated: 2025-03-26. Review status: criteria provided, single submitter. Criteria: DASA Assertion Criteria. Collection method: clinical testing. Allele origin: germline.
Comment: NM_001005388.3(NFASC):c.1099A>G (p.Thr367Ala) is a missense variant that results in the substitution of threonine with alanine. This variant is rare in population databases. Computational prediction algorithms are consistent with a benign effect. The currently available literature and clinical evidence are not sufficient to establish a definitive association between this variant and the reported condition. Therefore, this variant is classified as a variant of uncertain significance.

NM_001005388.3(NFASC):c.1099A>G (p.Thr367Ala)

Gene: NFASC (neurofascin; plus strand). Cytogenetic location: 1q32.1.
Variant type: single nucleotide variant.
Coding change: c.1099A>G on transcript NM_001005388.3 (MANE Select); coding-DNA position 1099, A replaced by G.
Protein change: p.Thr367Ala; replaces threonine 367 with alanine.
Molecular consequence: missense variant. On other transcripts: non-coding transcript variant (1).
Genome position (GRCh38, 1-based): chr1:204,970,711, A>G. VCF-style: chr1-204970711-A-G. GRCh37 (hg19) VCF-style: chr1-204939839-A-G.
Other names: c.1099A>G, p.Thr367Ala (NM_001005389.2, NM_001378329.1); c.1132A>G, p.Thr378Ala (NM_001160331.2, NM_001160332.2, NM_001365986.1 and 3 more transcripts); c.1081A>G, p.Thr361Ala (NM_001160333.2); short protein forms T361A, T367A, T378A.
Identifiers: ClinVar variation 4885223 (VCV004885223.2).
Genomic context (GRCh38, chr1:204,970,711, plus strand): 5'-ATTCTGGCTCCTGGCGAGGATGGGAGACTGGTGTGTCGAGCCAATGGAAACCCCAAACCC[A>G]CTGTCCAGTGGATGGTGAATGGGGAACCTTTGCAATGTAAGTAGCGAGCTGTTGTCCCAT-3'
Protein context (NP_001005388.2, residues 357-377): VCRANGNPKP[Thr367Ala]VQWMVNGEPL